The following is an entry in ClinVar:

ClinVar aggregate classification (germline): Pathogenic (1 of 4 stars; one submission).

Conditions:
Congenital adrenal hypoplasia, X-linked (AHC). Also called: Isolated X-Linked Adrenal Hypoplasia Congenita; X-linked AHC; X-Linked Adrenal Hypoplasia Congenita; ADRENAL HYPOPLASIA, CONGENITAL, WITH HYPOGONADOTROPIC HYPOGONADISM. Identifiers: Orphanet 95702, MedGen C0342482, MONDO:0010264, OMIM 300200. Disease mechanism: loss of function.
46,XY sex reversal 2. Also called: 46XY sex reversal 2, dosage-sensitive; NR0B1-Related 46,XY CGD; NR0B1-related 46,XY complete gonadal dysgenesis; Dosage-sensitive sex reversal; 46,XY SEX REVERSAL, DAX1-RELATED. Identifiers: MedGen C1848296, MONDO:0010226, OMIM 300018.

Submission:

Labcorp Genetics (formerly Invitae), Labcorp
Classification: Pathogenic for Congenital adrenal hypoplasia, X-linked; 46,XY sex reversal 2. Last evaluated: 2021-12-01. Review status: criteria provided, single submitter. Criteria: Invitae Variant Classification Sherloc (09022015). Collection method: clinical testing. Allele origin: germline.
Comment: This variant disrupts the C-terminus of the NR0B1 protein. Other variant(s) that disrupt this region (p.Gln395*, p.Asp459Glyfs*3, p.Ser431Ilefs*6) have been observed in individuals with NR0B1-related conditions (PMID: 7609262, 8855822). This suggests that this may be a clinically significant region of the protein. This sequence change creates a premature translational stop signal (p.Asp390Thrfs*8) in the NR0B1 gene. While this is not anticipated to result in nonsense mediated decay, it is expected to disrupt the last 81 amino acids of the NR0B1 protein. This variant is not present in population databases (gnomAD no frequency). This variant has not been reported in the literature in individuals affected with NR0B1-related conditions. This variant is also known as c.1168+1del. Algorithms developed to predict the effect of sequence changes on RNA splicing suggest that this variant may disrupt the consensus splice site. For these reasons, this variant has been classified as Pathogenic.

Literature cited by the submitters: PubMed 7609262; PubMed 8855822.

NM_000475.5(NR0B1):c.1168+1del

Gene: NR0B1 (nuclear receptor subfamily 0 group B member 1; minus strand). Cytogenetic location: Xp21.2.
Variant type: Deletion.
Coding change: c.1168+1del on transcript NM_000475.5 (MANE Select); the canonical splice donor site of the intron after coding-DNA position 1168, one base deleted (G; older notation c.1168+1delG).
Molecular consequence: splice donor variant.
Genome position (GRCh38, 1-based): chrX:30,308,195, C deleted on the plus strand (G on the coding strand, the reverse complement: NR0B1 is on the minus strand); the first of 3 consecutive C bases (chrX:30,308,195-30,308,197); deleting any one gives the same sequence. VCF-style (leftmost placement, unchanged base first): chrX-30308194-AC-A. GRCh37 (hg19) VCF-style: chrX-30326311-AC-A.
Identifiers: ClinVar variation 1371683 (VCV001371683.6), dbSNP rs2147006209, ClinGen allele CA2573158600.